The following is an entry in ClinVar:

ClinVar aggregate classification (germline): Pathogenic (1 of 4 stars; one submission).

Conditions:
Inborn genetic diseases. Identifiers: MedGen C0950123, MeSH D030342.

Submission:

Ambry Genetics
Classification: Pathogenic for Inborn genetic diseases. Last evaluated: 2025-01-24. Review status: criteria provided, single submitter. Criteria: Ambry Variant Classification Scheme 2023. Collection method: clinical testing. Allele origin: germline.
Comment: The c.1603dupG (p.V535Gfs*80) alteration, located in exon 8 (coding exon 7) of the CNGA3 gene, consists of a duplication of G at position 1603, causing a translational frameshift with a predicted alternate stop codon after 80 amino acids. This variant is not expected to trigger nonsense-mediated mRNA decay, and impacts the last 23.05% of the protein. However, premature stop codons are typically deleterious in nature, the impacted region is critical for protein function, and a significant portion of the protein is affected (Ambry internal data). This variant was not reported in population-based cohorts in the Genome Aggregation Database (gnomAD). Based on the available evidence, this alteration is classified as pathogenic.

NM_001298.3(CNGA3):c.1603dup (p.Val535fs)

Gene: CNGA3 (cyclic nucleotide gated channel subunit alpha 3; plus strand). Cytogenetic location: 2q11.2.
Variant type: Duplication.
Coding change: c.1603dup on transcript NM_001298.3 (MANE Select); coding-DNA position 1603, one base duplicated (G; older notation c.1603dupG).
Protein change: p.Val535fs; shifts the reading frame from valine 535.
Molecular consequence: frameshift variant.
Genome position (GRCh38, 1-based): chr2:98,396,773, G duplicated; the last of 4 consecutive G bases (chr2:98,396,770-98,396,773); duplicating any one gives the same sequence. VCF-style (leftmost placement, unchanged base first): chr2-98396769-T-TG. GRCh37 (hg19) VCF-style: chr2-99013232-T-TG.
Other names: c.1549dup, p.Val517fs (NM_001079878.2); short protein forms V535fs, V517fs.
Identifiers: ClinVar variation 3834452 (VCV003834452.1).
Genomic context (GRCh38, chr2:98,396,769, plus strand): 5'-AGATATTGGGAAGGAGATGTACATCATCAACGAGGGCAAGCTGGCCGTGGTGGCTGATGA[T>TG]GGGGTCACCCAGTTCGTGGTCCTCAGCGATGGCAGCTACTTCGGGGAGATCAGCATTCTG-3'